The following is an entry in ClinVar:

NM_001370259.2(MEN1):c.1043T>A (p.Ile348Asn)

Gene: MEN1 (menin 1; minus strand). Cytogenetic location: 11q13.1.
Variant type: single nucleotide variant.
Coding change: c.1043T>A on transcript NM_001370259.2 (MANE Select); coding-DNA position 1043, T replaced by A.
Protein change: p.Ile348Asn; replaces isoleucine 348 with asparagine.
Molecular consequence: missense variant. On other transcripts: non-coding transcript variant (4).
Genome position (GRCh38, 1-based): chr11:64,806,238, A>T on the plus strand (T>A on the coding strand, the complement: MEN1 is on the minus strand). VCF-style: chr11-64806238-A-T. GRCh37 (hg19) VCF-style: chr11-64573710-A-T.
Other names: c.1043T>A, p.Ile348Asn (NM_001407144.1, NM_001407146.1, NM_001407147.1 and 7 more transcripts); c.1058T>A, p.Ile353Asn (NM_001407145.1, NM_001407150.1, NM_000244.4 and 5 more transcripts); c.938T>A, p.Ile313Asn (NM_001407148.1, NM_001407149.1, NM_001407151.1 and 2 more transcripts); short protein forms I313N, I348N, I353N.
Identifiers: ClinVar variation 3339291 (VCV003339291.4).

ClinVar aggregate classification (germline): Likely pathogenic. Review status: criteria provided, multiple submitters, no conflicts (2 of 4 stars). 3 submissions from 3 submitters: Likely pathogenic (3). Last evaluated 2025-07-18.

Conditions:
Multiple endocrine neoplasia, type 1 (MEN1). Also called: MEA I; MEN I; WERMER SYNDROME; Endocrine adenomatosis multiple; MEN 1. Identifiers: Orphanet 652, MedGen C0025267, MeSH D018761, MONDO:0007540, OMIM 131100.
Hereditary cancer-predisposing syndrome. Also called: Hereditary Cancer Syndrome; Tumor predisposition; Neoplastic Syndromes, Hereditary; Hereditary neoplastic syndrome. Identifiers: Orphanet 140162, MedGen C0027672, MeSH D009386, MONDO:0015356.

Submissions (3):

Ambry Genetics
Classification: Likely pathogenic for Hereditary cancer-predisposing syndrome. Last evaluated: 2025-07-18. Review status: criteria provided, single submitter. Criteria: Ambry Variant Classification Scheme 2023. Collection method: clinical testing. Allele origin: germline.
Comment: The p.I348N variant (also known as c.1043T>A), located in coding exon 6 of the MEN1 gene, results from a T to A substitution at nucleotide position 1043. The isoleucine at codon 348 is replaced by asparagine, an amino acid with dissimilar properties. This variant was reported in individual(s) with features consistent with multiple endocrine neoplasia type 1 (MEN1) (Roijers JF et al. Eur J Clin Invest, 2000 Jun;30:487-92; Zhou H et al. J Hepatobiliary Pancreat Surg, 2006;13:477-81; Ambry internal data). Based on internal structural analysis, this variant is more disruptive than known pathogenic variants (Krivtsov AV et al. Cancer Cell, 2019 Dec;36:660-673.e11). This amino acid position is not well conserved in available vertebrate species. In addition, the in silico prediction for this alteration is inconclusive. This variant is considered to be rare based on population cohorts in the Genome Aggregation Database (gnomAD). Based on the majority of available evidence to date, this variant is likely to be pathogenic.

Labcorp Genetics (formerly Invitae), Labcorp
Classification: Likely pathogenic for Multiple endocrine neoplasia, type 1. Last evaluated: 2024-10-07. Review status: criteria provided, single submitter. Criteria: Invitae Variant Classification Sherloc (09022015). Collection method: clinical testing. Allele origin: germline.
Comment: This sequence change replaces isoleucine, which is neutral and non-polar, with asparagine, which is neutral and polar, at codon 348 of the MEN1 protein (p.Ile348Asn). This variant is not present in population databases (gnomAD no frequency). This missense change has been observed in individuals with clinical features of multiple endocrine neoplasia type 1 (PMID: 10849016, 17013727). This variant is also known as c.1153T>A. Invitae Evidence Modeling of protein sequence and biophysical properties (such as structural, functional, and spatial information, amino acid conservation, physicochemical variation, residue mobility, and thermodynamic stability) indicates that this missense variant is expected to disrupt MEN1 protein function with a positive predictive value of 95%. In summary, the currently available evidence indicates that the variant is pathogenic, but additional data are needed to prove that conclusively. Therefore, this variant has been classified as Likely Pathogenic.

Women's Health and Genetics/Laboratory Corporation of America, LabCorp
Classification: Likely pathogenic for Multiple endocrine neoplasia, type 1. Last evaluated: 2024-07-29. Review status: criteria provided, single submitter. Criteria: LabCorp Variant Classification Summary - May 2015. Collection method: clinical testing. Allele origin: germline.
Comment: Variant summary: MEN1 c.1043T>A (p.Ile348Asn) results in a non-conservative amino acid change in the encoded protein sequence. Five of five in-silico tools predict a damaging effect of the variant on protein function. The variant was absent in 251448 control chromosomes. c.1043T>A has been reported in the literature in individuals affected with Multiple Endocrine Neoplasia Type 1 and segregated with disease in at-least two individuals from one family (example, Roijers_2000, Zhou_2006, Pieterman_2012). These data indicate that the variant is likely to be associated with disease. To our knowledge, no experimental evidence demonstrating an impact on protein function has been reported. The following publications have been ascertained in the context of this evaluation (PMID: 22470073, 10849016, 17013727). No submitters have cited clinical-significance assessments for this variant to ClinVar. Based on the evidence outlined above, the variant was classified as likely pathogenic.

Literature cited by the submitters: PubMed 10849016 (cited by 3 submitters); PubMed 17013727 (cited by 3 submitters); PubMed 31821784 (cited by Ambry Genetics); PubMed 22470073 (cited by Women's Health and Genetics/Laboratory Corporation of America, LabCorp).